The following is an entry in ClinVar:

NM_007272.3(CTRC):c.*86A>G

Gene: CTRC (chymotrypsin C; plus strand). Cytogenetic location: 1p36.21.
Variant type: single nucleotide variant.
Coding change: c.*86A>G on transcript NM_007272.3 (MANE Select); 86 bases downstream of the stop codon, A replaced by G.
Molecular consequence: 3 prime UTR variant.
Genome position (GRCh38, 1-based): chr1:15,446,675, A>G. VCF-style: chr1-15446675-A-G. GRCh37 (hg19) VCF-style: chr1-15773170-A-G.
Identifiers: ClinVar variation 1283221 (VCV001283221.11), dbSNP rs760937, ClinGen allele CA613512.

ClinVar aggregate classification (germline): Benign. Review status: criteria provided, multiple submitters, no conflicts (2 of 4 stars). 5 submissions from 5 submitters: Benign (5). Last evaluated 2025-07-28.

Conditions:
Hereditary pancreatitis (PCTT). Also called: Hereditary chronic pancreatitis; PRSS1-Related Hereditary Pancreatitis. Identifiers: Orphanet 676, MedGen C0238339, MONDO:0008185, OMIM 167800.

Allele frequency attached by ClinVar (database versions not stated): gnomAD 0.02826 and 0.02983; ESP Exome Variant Server 0.02979; 1000 Genomes Project 0.03195; 1000 Genomes Project 30x 0.03389.
gnomAD v4.1: 8,570 of 1,488,462 alleles (0.58%); highest among the groups gnomAD compares: African/African-American, 9.7%; 394 homozygotes.

Submissions (5):

ARUP Laboratories, Molecular Genetics and Genomics, ARUP Laboratories
Classification: Benign for Hereditary pancreatitis. Last evaluated: 2025-07-28. Review status: criteria provided, single submitter. Criteria: ARUP Molecular Germline Variant Investigation Process 2024. Collection method: clinical testing. Allele origin: germline.

Labcorp Genetics (formerly Invitae), Labcorp
Classification: Benign for Hereditary pancreatitis. Last evaluated: 2025-03-31. Review status: criteria provided, single submitter. Criteria: Invitae Variant Classification Sherloc (09022015). Collection method: clinical testing. Allele origin: germline.

Sema4
Classification: Benign for Hereditary pancreatitis. Last evaluated: 2019-12-09. Review status: criteria provided, single submitter. Criteria: Sema4 Curation Guidelines. Collection method: curation. Allele origin: germline.

GeneDx
Classification: Benign. Last evaluated: 2018-06-23. Review status: criteria provided, single submitter. Criteria: GeneDx Variant Classification Process June 2021. Collection method: clinical testing. Allele origin: germline. Affected: yes.
Comment: This variant is associated with the following publications: (PMID: 18172691)

Breakthrough Genomics
Classification: Benign. Review status: criteria provided, single submitter. Criteria: ACMG Guidelines, 2015. Collection method: not provided. Allele origin: germline. Inheritance: Autosomal dominant inheritance. Affected: yes.